The following is an entry in ClinVar:

NM_000059.4(BRCA2):c.7374C>A (p.Asn2458Lys)

Gene: BRCA2 (BRCA2 DNA repair associated; plus strand). Cytogenetic location: 13q13.1.
Variant type: single nucleotide variant.
Coding change: c.7374C>A on transcript NM_000059.4 (MANE Select); coding-DNA position 7374, C replaced by A.
Protein change: p.Asn2458Lys; replaces asparagine 2458 with lysine.
Molecular consequence: missense variant.
Genome position (GRCh38, 1-based): chr13:32,355,227, C>A. VCF-style: chr13-32355227-C-A. GRCh37 (hg19) VCF-style: chr13-32929364-C-A.
Other names: c.7278C>A, p.Asn2426Lys (NM_001406719.1); c.7374C>A, p.Asn2458Lys (NM_001406720.1); c.2442C>A, p.Asn814Lys (NM_001406721.1); c.957C>A, p.Asn319Lys (NM_001406722.1); short protein forms N2426K, N319K, N2458K, N814K.
Identifiers: ClinVar variation 1758580 (VCV001758580.2), dbSNP rs2548540655, ClinGen allele CA387741621.

ClinVar aggregate classification (germline): Uncertain significance (1 of 4 stars; one submission).

Conditions:
Hereditary cancer-predisposing syndrome. Also called: Neoplastic Syndromes, Hereditary; Tumor predisposition; Hereditary Cancer Syndrome; Hereditary neoplastic syndrome. Identifiers: Orphanet 140162, MedGen C0027672, MeSH D009386, MONDO:0015356.

Submission:

Ambry Genetics
Classification: Uncertain significance for Hereditary cancer-predisposing syndrome. Last evaluated: 2021-12-22. Review status: criteria provided, single submitter. Criteria: Ambry Variant Classification Scheme 2023. Collection method: clinical testing. Allele origin: germline.
Comment: The p.N2458K variant (also known as c.7374C>A), located in coding exon 13 of the BRCA2 gene, results from a C to A substitution at nucleotide position 7374. The asparagine at codon 2458 is replaced by lysine, an amino acid with similar properties. This amino acid position is conserved. In addition, this alteration is predicted to be tolerated by in silico analysis. Since supporting evidence is limited at this time, the clinical significance of this alteration remains unclear.